The following is an entry in ClinVar:

ClinVar aggregate classification (germline): Conflicting classifications of pathogenicity. Review status: criteria provided, conflicting classifications (1 of 4 stars). 2 submissions from 2 submitters: Pathogenic (1); Uncertain significance (1). Last evaluated 2024-04-17.

Conditions:
Deficiency of adenosine deaminase 2. Also called: Adenosine Deaminase 2 Deficiency; VASCULITIS, AUTOINFLAMMATION, IMMUNODEFICIENCY, AND HEMATOLOGIC DEFECTS SYNDROME; Polyarteritis nodosa, childhoood-onset. Identifiers: Orphanet 404553, MedGen C3887654, MONDO:0014306, OMIM 615688, MONDO:0100317.
Sneddon syndrome (SNDNS). Also called: Idiopathic livedo reticularis with systemic involvement; LIVEDO RETICULARIS AND CEREBROVASCULAR ACCIDENTS. Identifiers: Orphanet 820, MedGen C0282492, MONDO:0008436, OMIM 182410.

Allele frequency attached by ClinVar (database versions not stated): gnomAD exomes below 0.00001; ExAC 0.00001; TOPMed 0.00001; gnomAD 0.00002.

Submissions (2):

Fulgent Genetics
Classification: Pathogenic for Sneddon syndrome; Deficiency of adenosine deaminase 2. Last evaluated: 2024-04-17. Review status: criteria provided, single submitter. Criteria: ACMG Guidelines, 2015. Collection method: clinical testing. Allele origin: germline.

GeneDx
Classification: Uncertain significance. Last evaluated: 2016-06-16. Review status: criteria provided, single submitter. Criteria: GeneDx Variant Classification (06012015). Collection method: clinical testing. Allele origin: germline. Affected: yes.
Comment: The L188P variant in the CECR1 gene has not been reported previously as a pathogenic variant, nor as a benign variant, to our knowledge. The L188P variant was not observed in approximately 6,500 individuals of European and African American ancestry in the NHLBI Exome Sequencing Project, indicating it is not a common benign variant in these populations. The L188P variant is a semi-conservative amino acid substitution, which may impact secondary protein structure as these residues differ in some properties. This substitution occurs at a position that is conserved across species. In silico analysis predicts this variant is probably damaging to the protein structure/function. We interpret L188P as a variant of uncertain significance.

NM_001282225.2(ADA2):c.563T>C (p.Leu188Pro)

Gene: ADA2 (adenosine deaminase 2; minus strand). Cytogenetic location: 22q11.1.
Variant type: single nucleotide variant.
Coding change: c.563T>C on transcript NM_001282225.2 (MANE Select); coding-DNA position 563, T replaced by C.
Protein change: p.Leu188Pro; replaces leucine 188 with proline.
Molecular consequence: missense variant.
Genome position (GRCh38, 1-based): chr22:17,203,753, A>G on the plus strand (T>C on the coding strand, the complement: ADA2 is on the minus strand). VCF-style: chr22-17203753-A-G. GRCh37 (hg19) VCF-style: chr22-17684643-A-G.
Other names: c.563T>C, p.Leu188Pro (NM_001282226.2); c.437T>C, p.Leu146Pro (NM_001282227.2, NM_001282228.2); c.203T>C, p.Leu68Pro (NM_001282229.2); short protein forms L146P, L188P, L68P.
Identifiers: ClinVar variation 421491 (VCV000421491.3), dbSNP rs760102576, ClinGen allele CA10088185.